The following is an entry in ClinVar:

NM_000458.4(HNF1B):c.580A>G (p.Thr194Ala)

Genes: HNF1B (HNF1 homeobox B; minus strand), LOC126862549 (BRD4-independent group 4 enhancer GRCh37_chr17:36093401-36094600; plus strand). Cytogenetic location: 17q12.
Variant type: single nucleotide variant.
Coding change: c.580A>G on transcript NM_000458.4 (MANE Select); coding-DNA position 580, A replaced by G.
Protein change: p.Thr194Ala; replaces threonine 194 with alanine.
Molecular consequence: missense variant. On other transcripts: intron variant (2).
Genome position (GRCh38, 1-based): chr17:37,733,786, T>C on the plus strand (A>G on the coding strand, the complement: HNF1B is on the minus strand). VCF-style: chr17-37733786-T-C. GRCh37 (hg19) VCF-style: chr17-36093779-T-C.
Other names: c.580A>G, p.Thr194Ala (NM_001411100.1); c.545-43A>G (NM_001304286.2, NM_001165923.4); short protein forms T194A.
Identifiers: ClinVar variation 2051549 (VCV002051549.4), dbSNP rs2033757401, ClinGen allele CA398749857.
Genomic context (GRCh38, chr17:37,733,786, plus strand): 5'-GGCTCTGTTGACTGAACTCTGGAAAGAGAAACAGCAGCTGATCCTGACTGCTTTTGTCTG[T>C]CATATTTCCAGAACTCTGGACTGTCTGGTTGAATTCTGAAAAGAGAAAGGAGTAGATTTG-3'
Protein context (NP_000449.1, residues 184-204): NQTVQSSGNM[Thr194Ala]DKSSQDQLLF

ClinVar aggregate classification (germline): Uncertain significance (1 of 4 stars; one submission).

Allele frequency attached by ClinVar (database versions not stated): gnomAD 0.00001.
gnomAD v4.1: 1 of 1,614,126 alleles (0.000062%); highest among the groups gnomAD compares: African/African-American, 0.0013%; no homozygotes.

Submission:

Labcorp Genetics (formerly Invitae), Labcorp
Classification: Uncertain significance. Last evaluated: 2022-03-14. Review status: criteria provided, single submitter. Criteria: Invitae Variant Classification Sherloc (09022015). Collection method: clinical testing. Allele origin: germline.
Comment: In summary, the available evidence is currently insufficient to determine the role of this variant in disease. Therefore, it has been classified as a Variant of Uncertain Significance. This sequence change replaces threonine, which is neutral and polar, with alanine, which is neutral and non-polar, at codon 194 of the HNF1B protein (p.Thr194Ala). This variant is not present in population databases (gnomAD no frequency). This variant has not been reported in the literature in individuals affected with HNF1B-related conditions. Advanced modeling of protein sequence and biophysical properties (such as structural, functional, and spatial information, amino acid conservation, physicochemical variation, residue mobility, and thermodynamic stability) performed at Invitae indicates that this missense variant is not expected to disrupt HNF1B protein function.